The following is an entry in ClinVar:

NM_000781.3(CYP11A1):c.1315C>T (p.Arg439Ter)

Gene: CYP11A1 (cytochrome P450 family 11 subfamily A member 1; minus strand). Cytogenetic location: 15q24.1.
Variant type: single nucleotide variant.
Coding change: c.1315C>T on transcript NM_000781.3 (MANE Select); coding-DNA position 1315, C replaced by T.
Protein change: p.Arg439Ter; replaces arginine 439 with a stop codon.
Molecular consequence: nonsense.
Genome position (GRCh38, 1-based): chr15:74,338,690, G>A on the plus strand (C>T on the coding strand, the complement: CYP11A1 is on the minus strand). VCF-style: chr15-74338690-G-A. GRCh37 (hg19) VCF-style: chr15-74631031-G-A.
Other names: c.841C>T, p.Arg281Ter (NM_001099773.2); short protein forms R281*, R439*.
Identifiers: ClinVar variation 3706399 (VCV003706399.1).

ClinVar aggregate classification (germline): Pathogenic (1 of 4 stars; one submission).

gnomAD v4.1: 8 of 1,614,062 alleles (0.0005%); highest among the groups gnomAD compares: East Asian, 0.0022%; no homozygotes.

Submission:

Labcorp Genetics (formerly Invitae), Labcorp
Classification: Pathogenic. Last evaluated: 2023-12-12. Review status: criteria provided, single submitter. Criteria: Invitae Variant Classification Sherloc (09022015). Collection method: clinical testing. Allele origin: germline.
Comment: This sequence change creates a premature translational stop signal (p.Arg439*) in the CYP11A1 gene. It is expected to result in an absent or disrupted protein product. Loss-of-function variants in CYP11A1 are known to be pathogenic (PMID: 15507506, 22435390, 27855232, 229968487). This variant is present in population databases (rs755975808, gnomAD 0.01%). This premature translational stop signal has been observed in individual(s) with primary adrenal insufficiency (PMID: 30620006). For these reasons, this variant has been classified as Pathogenic.

Literature cited by the submitters: PubMed 15507506; PubMed 22435390; PubMed 27855232; PubMed 229968487; PubMed 30620006.